The following is an entry in ClinVar:

ClinVar aggregate classification (germline): Conflicting classifications of pathogenicity. Review status: criteria provided, conflicting classifications (1 of 4 stars). 8 submissions from 4 submitters: Uncertain significance (6); Likely benign (2). Last evaluated 2026-04-13.

Conditions:
Autosomal recessive limb-girdle muscular dystrophy type 2J (LGMDR10). Also called: MUSCULAR DYSTROPHY, LIMB-GIRDLE, AUTOSOMAL RECESSIVE 10; Limb-girdle muscular dystrophy, type 2J. Identifiers: Orphanet 140922, MedGen C1837342, MONDO:0012127, OMIM 608807.
Dilated cardiomyopathy 1G (CMD1G). Identifiers: Orphanet 154, MedGen C1858763, MONDO:0011400, OMIM 604145.
TTN-related disorder. Also called: TTN-related condition; TTN-related disease; TTN-related disorders.
Cardiomyopathy (CMYO). Also called: Cardiomyopathies. Identifiers: Orphanet 167848, MedGen C0878544, MONDO:0004994, HP:0001638. Inheritance: Various modes of inheritance.
Myopathy, myofibrillar, 9, with early respiratory failure (MFM9). Also called: Myopathy, distal, with early respiratory failure, autosomal dominant; EDSTROM MYOPATHY; MYOPATHY, PROXIMAL, WITH EARLY RESPIRATORY MUSCLE INVOLVEMENT; Hereditary myopathy with early respiratory failure. Identifiers: Orphanet 178464, Orphanet 34521, MedGen C1863599, MONDO:0011362, OMIM 603689.
Early-onset myopathy with fatal cardiomyopathy (CMYO5). Also called: CONGENITAL MYOPATHY 5 WITH CARDIOMYOPATHY; Salih Myopathy. Identifiers: Orphanet 289377, MedGen C2673677, MONDO:0012714, OMIM 611705. Disease mechanism: loss of function.
Tibial muscular dystrophy (TMD). Also called: Tibial muscular dystrophy, tardive; UDD MYOPATHY; Udd Distal Myopathy – Tibial Muscular Dystrophy. Identifiers: Orphanet 609, MedGen C1838244, MONDO:0010870, OMIM 600334.

Allele frequency attached by ClinVar (database versions not stated): TOPMed 0.00006; ExAC 0.00002; gnomAD 0.00003 and 0.00004; gnomAD exomes 0.00003.
gnomAD v4.1: 53 of 1,613,388 alleles (0.0033%); highest among the groups gnomAD compares: Admixed American, 0.012%; no homozygotes.

Submissions (8):

PreventionGenetics, part of Exact Sciences
Classification: Uncertain significance for TTN-related condition. Last evaluated: 2026-04-13. Review status: criteria provided, single submitter. Criteria: ACMG Guidelines, 2015. Collection method: clinical testing. Allele origin: germline.
Comment: The TTN c.80941C>T variant is predicted to result in the amino acid substitution p.Arg26981Trp. This variant has been reported as uncertain in an individual with hypertrophic cardiomyopathy (reported as c.73237C>T, p.Arg24413Trp in transcript NM_133378 in Online Supplementary File 2, van Lint et al. 2019. PubMed ID: 30847666) and in an individual with limb girdle muscular dystrophy who also had another TTN variant (Supplementary Data, Gonzalez-Quereda et al. 2020. PubMed ID: 32403337). This variant is reported in 0.0058% of alleles in individuals of Latino descent in gnomAD and has conflicting interpretations regarding its pathogenicity in ClinVar, ranging from likely benign to uncertain (Variation ID: 238849). At this time, the clinical significance of this variant is uncertain due to the absence of conclusive functional and genetic evidence.

CHEO Genetics Diagnostic Laboratory, Children's Hospital of Eastern Ontario
Classification: Uncertain significance for Cardiomyopathy. Last evaluated: 2021-09-14. Review status: criteria provided, single submitter. Criteria: ACMG Guidelines, 2015. Collection method: clinical testing. Allele origin: germline. Study: Canadian Open Genetics Repository.

Illumina Laboratory Services, Illumina
Classification: Uncertain significance for Dilated cardiomyopathy 1G. Last evaluated: 2018-01-12. Review status: criteria provided, single submitter. Criteria: ICSL Variant Classification Criteria 13 December 2019. Collection method: clinical testing. Allele origin: germline.

Illumina Laboratory Services, Illumina
Classification: Likely benign for Myopathy, myofibrillar, 9, with early respiratory failure. Last evaluated: 2018-01-12. Review status: criteria provided, single submitter. Criteria: ICSL Variant Classification Criteria 13 December 2019. Collection method: clinical testing. Allele origin: germline.
Comment: This variant was observed in the ICSL laboratory as part of a predisposition screen in an ostensibly healthy population. It had not been previously curated by ICSL or reported in the Human Gene Mutation Database (HGMD: prior to June 1st, 2018), and was therefore a candidate for classification through an automated scoring system. Utilizing variant allele frequency, disease prevalence and penetrance estimates, and inheritance mode, an automated score was calculated to assess if this variant is too frequent to cause the disease. Based on the score and internal cut-off values, a variant classified as likely benign is not then subjected to further curation. The score for this variant resulted in a classification of likely benign for this disease.

Illumina Laboratory Services, Illumina
Classification: Uncertain significance for Autosomal recessive limb-girdle muscular dystrophy type 2J. Last evaluated: 2018-01-12. Review status: criteria provided, single submitter. Criteria: ICSL Variant Classification Criteria 13 December 2019. Collection method: clinical testing. Allele origin: germline.

Illumina Laboratory Services, Illumina
Classification: Uncertain significance for Early-onset myopathy with fatal cardiomyopathy. Last evaluated: 2018-01-12. Review status: criteria provided, single submitter. Criteria: ICSL Variant Classification Criteria 13 December 2019. Collection method: clinical testing. Allele origin: germline.

Illumina Laboratory Services, Illumina
Classification: Likely benign for Tibial muscular dystrophy. Last evaluated: 2018-01-12. Review status: criteria provided, single submitter. Criteria: ICSL Variant Classification Criteria 13 December 2019. Collection method: clinical testing. Allele origin: germline.
Comment: the same text as in the submission from Illumina Laboratory Services, Illumina above.

Labcorp Genetics (formerly Invitae), Labcorp
Classification: Uncertain significance for Dilated cardiomyopathy 1G; Autosomal recessive limb-girdle muscular dystrophy type 2J. Last evaluated: 2017-12-26. Review status: criteria provided, single submitter. Criteria: Invitae Variant Classification Sherloc (09022015). Collection method: clinical testing. Allele origin: germline.

NM_001267550.2(TTN):c.80941C>T (p.Arg26981Trp)

Genes: TTN (titin; minus strand), TTN-AS1 (TTN antisense RNA 1; plus strand). Cytogenetic location: 2q31.2.
Variant type: single nucleotide variant.
Coding change: c.80941C>T on transcript NM_001267550.2 (MANE Select); coding-DNA position 80941, C replaced by T.
Protein change: p.Arg26981Trp; replaces arginine 26981 with tryptophan.
Molecular consequence: missense variant.
Genome position (GRCh38, 1-based): chr2:178,565,191, G>A on the plus strand (C>T on the coding strand, the complement: TTN is on the minus strand). VCF-style: chr2-178565191-G-A. GRCh37 (hg19) VCF-style: chr2-179429918-G-A.
Other names: c.76018C>T, p.Arg25340Trp (NM_001256850.1); c.53746C>T, p.Arg17916Trp (NM_003319.4); c.73237C>T, p.Arg24413Trp (NM_133378.4); c.54121C>T, p.Arg18041Trp (NM_133432.3); c.54322C>T, p.Arg18108Trp (NM_133437.4); short protein forms R26981W, R24413W, R25340W, R18108W, R17916W, R18041W.
Identifiers: ClinVar variation 238849 (VCV000238849.10), dbSNP rs779878975, ClinGen allele CA1989275.